The following is an entry in ClinVar:

NM_002485.5(NBN):c.1369A>G (p.Asn457Asp)

Gene: NBN (nibrin; minus strand). Cytogenetic location: 8q21.3.
Variant type: single nucleotide variant.
Coding change: c.1369A>G on transcript NM_002485.5 (MANE Select); coding-DNA position 1369, A replaced by G.
Protein change: p.Asn457Asp; replaces asparagine 457 with aspartic acid.
Molecular consequence: missense variant.
Genome position (GRCh38, 1-based): chr8:89,955,311, T>C on the plus strand (A>G on the coding strand, the complement: NBN is on the minus strand). VCF-style: chr8-89955311-T-C. GRCh37 (hg19) VCF-style: chr8-90967539-T-C.
Other names: c.1123A>G, p.Asn375Asp (NM_001024688.3); short protein forms N457D, N375D.
Identifiers: ClinVar variation 492092 (VCV000492092.12), dbSNP rs1554559034, ClinGen allele CA371656011.

ClinVar aggregate classification (germline): Uncertain significance. Review status: criteria provided, multiple submitters, no conflicts (2 of 4 stars). 2 submissions from 2 submitters: Uncertain significance (2). Last evaluated 2025-07-30.

Conditions:
Microcephaly, normal intelligence and immunodeficiency (NBS). Also called: BERLIN BREAKAGE SYNDROME; Ataxia telangiectasia variant V1; IMMUNODEFICIENCY, MICROCEPHALY, AND CHROMOSOMAL INSTABILITY; SEEMANOVA SYNDROME II; Immunodeficiency, microcephaly with normal intelligence; Nijmegen breakage syndrome. Identifiers: Orphanet 647, MedGen C0398791, MONDO:0009623, OMIM 251260.

Submissions (2):

Labcorp Genetics (formerly Invitae), Labcorp
Classification: Uncertain significance for Microcephaly, normal intelligence and immunodeficiency. Last evaluated: 2025-07-30. Review status: criteria provided, single submitter. Criteria: Invitae Variant Classification Sherloc (09022015). Collection method: clinical testing. Allele origin: germline.
Comment: This sequence change replaces asparagine, which is neutral and polar, with aspartic acid, which is acidic and polar, at codon 457 of the NBN protein (p.Asn457Asp). This variant is not present in population databases (gnomAD no frequency). This variant has not been reported in the literature in individuals affected with NBN-related conditions. ClinVar contains an entry for this variant (Variation ID: 492092). An algorithm developed to predict the effect of missense changes on protein structure and function outputs the following: PolyPhen-2: "Benign". The aspartic acid amino acid residue is found in multiple mammalian species, which suggests that this missense change does not adversely affect protein function. In summary, the available evidence is currently insufficient to determine the role of this variant in disease. Therefore, it has been classified as a Variant of Uncertain Significance.

Genome-Nilou Lab
Classification: Uncertain significance for Microcephaly, normal intelligence and immunodeficiency. Last evaluated: 2021-11-07. Review status: criteria provided, single submitter. Criteria: ACMG Guidelines, 2015. Collection method: clinical testing. Allele origin: germline. Affected: no.